The following is an entry in ClinVar:

ClinVar aggregate classification (germline): Uncertain significance. Review status: criteria provided, multiple submitters, no conflicts (2 of 4 stars). 2 submissions from 2 submitters: Uncertain significance (2). Last evaluated 2025-02-01.

Conditions:
Inborn genetic diseases. Identifiers: MedGen C0950123, MeSH D030342.

Submissions (2):

Ambry Genetics
Classification: Uncertain significance for Inborn genetic diseases. Last evaluated: 2025-02-01. Review status: criteria provided, single submitter. Criteria: Ambry Variant Classification Scheme 2023. Collection method: clinical testing. Allele origin: germline.

Labcorp Genetics (formerly Invitae), Labcorp
Classification: Uncertain significance. Last evaluated: 2022-09-07. Review status: criteria provided, single submitter. Criteria: Invitae Variant Classification Sherloc (09022015). Collection method: clinical testing. Allele origin: germline.
Comment: In summary, the available evidence is currently insufficient to determine the role of this variant in disease. Therefore, it has been classified as a Variant of Uncertain Significance. Algorithms developed to predict the effect of missense changes on protein structure and function output the following: SIFT: "Deleterious"; PolyPhen-2: "Benign"; Align-GVGD: "Class C0". The arginine amino acid residue is found in multiple mammalian species, which suggests that this missense change does not adversely affect protein function. This variant has not been reported in the literature in individuals affected with SETD5-related conditions. This variant is not present in population databases (gnomAD no frequency). This sequence change replaces glycine, which is neutral and non-polar, with arginine, which is basic and polar, at codon 1100 of the SETD5 protein (p.Gly1100Arg).

NM_001080517.3(SETD5):c.3298G>A (p.Gly1100Arg)

Gene: SETD5 (SET domain containing 5; plus strand). Cytogenetic location: 3p25.3.
Variant type: single nucleotide variant.
Coding change: c.3298G>A on transcript NM_001080517.3 (MANE Select); coding-DNA position 3298, G replaced by A.
Protein change: p.Gly1100Arg; replaces glycine 1100 with arginine.
Molecular consequence: missense variant.
Genome position (GRCh38, 1-based): chr3:9,473,338, G>A. VCF-style: chr3-9473338-G-A. GRCh37 (hg19) VCF-style: chr3-9515022-G-A.
Other names: c.3004G>A, p.Gly1002Arg (NM_001292043.2, NM_001349451.2); c.3298G>A (NM_001080517.1); short protein forms G1002R, G1100R.
Identifiers: ClinVar variation 2043802 (VCV002043802.5), dbSNP rs2473892980, ClinGen allele CA351685475.